The following is an entry in ClinVar:

ClinVar aggregate classification (germline): Pathogenic (1 of 4 stars; one submission).

Conditions:
Cohen syndrome (COH1). Also called: PEPPER SYNDROME; Cutis verticis gyrata, retinitis pigmentosa, and sensorineural deafness. Identifiers: Orphanet 193, MedGen C0265223, MONDO:0008999, OMIM 216550.

Submission:

Myriad Genetics, Inc.
Classification: Pathogenic for Cohen syndrome. Last evaluated: 2026-08-19. Review status: criteria provided, single submitter. Criteria: Myriad Autosomal Dominant, Autosomal Recessive and X-Linked Classification Criteria (2023). Collection method: clinical testing. Allele origin: unknown.
Comment: NM_017890.4(VPS13B):c.96dupT(G33Wfs*32) is a frameshift variant classified as pathogenic in the context of Cohen syndrome. G33Wfs*32 has not been observed in cases with relevant disease. Relevant functional assessments of this variant are not available in the literature. G33Wfs*32 has not been observed in referenced population frequency databases. In summary, NM_017890.4(VPS13B):c.96dupT(G33Wfs*32) is a frameshift variant in a gene where loss of function is a known mechanism of disease and is predicted to disrupt protein function. Please note: this variant was assessed in the context of healthy population screening.

NM_152564.5(VPS13B):c.96dup (p.Gly33fs)

Gene: VPS13B (vacuolar protein sorting 13 homolog B; plus strand). Cytogenetic location: 8q22.2.
Variant type: Duplication.
Coding change: c.96dup on transcript NM_152564.5 (MANE Select); coding-DNA position 96, one base duplicated (T; older notation c.96dupT).
Protein change: p.Gly33fs; shifts the reading frame from glycine 33.
Molecular consequence: frameshift variant. On other transcripts: non-coding transcript variant (1).
Genome position (GRCh38, 1-based): chr8:99,013,884, T duplicated. VCF-style (leftmost placement, unchanged base first): chr8-99013883-G-GT. GRCh37 (hg19) VCF-style: chr8-100026111-G-GT.
Other names: c.96dup, p.Gly33fs (NM_015243.3, NM_017890.5, NM_181661.3); short protein forms G33fs.
Identifiers: ClinVar variation 5004848 (VCV005004848.1).
Genomic context (GRCh38, chr8:99,013,883, plus strand): 5'-GCTATGTGAATCGCTACATCAAGAACTTAAAGCCGTCGGATCTACAGCTTTCACTATGGG[G>GT]TGGAGACGTGGTACTCAGCAAGCTCGAGTTAAAGTTGGATGTGCTGGAACAGGTAAGCTA-3'